The following is an entry in ClinVar:

ClinVar aggregate classification (germline): Uncertain significance (1 of 4 stars; one submission).

Conditions:
Mucopolysaccharidosis, MPS-III-B (MPS3B). Also called: MPS IIIB (Sanfilippo Syndrome Type B); MUCOPOLYSACCHARIDOSIS, TYPE IIIB; Mucopolysaccharidosis type IIIB (Sanfilippo B); N-ACETYL-ALPHA-D-GLUCOSAMINIDASE DEFICIENCY; NAGLU DEFICIENCY; SANFILIPPO SYNDROME B. Identifiers: Orphanet 79270, MedGen C0086648, MONDO:0009656, OMIM 252920.
Charcot-Marie-Tooth disease axonal type 2V. Also called: CHARCOT-MARIE-TOOTH NEUROPATHY, TYPE 2V; CHARCOT-MARIE-TOOTH DISEASE, AXONAL, AUTOSOMAL DOMINANT, TYPE 2V. Identifiers: Orphanet 447964, MedGen C5569050, MONDO:0014665, OMIM 616491.

Allele frequency attached by ClinVar (database versions not stated): TOPMed below 0.00001.

Submission:

Labcorp Genetics (formerly Invitae), Labcorp
Classification: Uncertain significance for Charcot-Marie-Tooth disease axonal type 2V; Mucopolysaccharidosis, MPS-III-B. Last evaluated: 2021-08-31. Review status: criteria provided, single submitter. Criteria: Invitae Variant Classification Sherloc (09022015). Collection method: clinical testing. Allele origin: germline.
Comment: This sequence change replaces serine with phenylalanine at codon 80 of the NAGLU protein (p.Ser80Phe). The serine residue is moderately conserved and there is a large physicochemical difference between serine and phenylalanine. The frequency data for this variant in the population databases is considered unreliable, as metrics indicate insufficient coverage at this position in the ExAC database. This variant has not been reported in the literature in individuals affected with NAGLU-related conditions. Algorithms developed to predict the effect of missense changes on protein structure and function are either unavailable or do not agree on the potential impact of this missense change (SIFT: "Tolerated"; PolyPhen-2: "Probably Damaging"; Align-GVGD: "Class C0"). In summary, the available evidence is currently insufficient to determine the role of this variant in disease. Therefore, it has been classified as a Variant of Uncertain Significance.

NM_000263.4(NAGLU):c.239C>T (p.Ser80Phe)

Genes: NAGLU (N-acetyl-alpha-glucosaminidase; plus strand), LOC130060903 (ATAC-STARR-seq lymphoblastoid silent region 8533; plus strand). Cytogenetic location: 17q21.2.
Variant type: single nucleotide variant.
Coding change: c.239C>T on transcript NM_000263.4 (MANE Select); coding-DNA position 239, C replaced by T.
Protein change: p.Ser80Phe; replaces serine 80 with phenylalanine.
Molecular consequence: missense variant.
Genome position (GRCh38, 1-based): chr17:42,536,511, C>T. VCF-style: chr17-42536511-C-T. GRCh37 (hg19) VCF-style: chr17-40688529-C-T.
Other names: short protein forms S80F.
Identifiers: ClinVar variation 1010878 (VCV001010878.2), dbSNP rs2092906616, ClinGen allele CA399595768.